The following is an entry in ClinVar:

NM_003738.5(PTCH2):c.3410A>C (p.Gln1137Pro)

Gene: PTCH2 (patched 2; minus strand). Cytogenetic location: 1p34.1.
Variant type: single nucleotide variant.
Coding change: c.3410A>C on transcript NM_003738.5 (MANE Select); coding-DNA position 3410, A replaced by C.
Protein change: p.Gln1137Pro; replaces glutamine 1137 with proline.
Molecular consequence: missense variant.
Genome position (GRCh38, 1-based): chr1:44,822,617, T>G on the plus strand (A>C on the coding strand, the complement: PTCH2 is on the minus strand). VCF-style: chr1-44822617-T-G. GRCh37 (hg19) VCF-style: chr1-45288289-T-G.
Other names: c.3410A>C, p.Gln1137Pro (NM_001166292.2); short protein forms Q1137P.
Identifiers: ClinVar variation 1004316 (VCV001004316.10), dbSNP rs1652957871, ClinGen allele CA340105668.

ClinVar aggregate classification (germline): Uncertain significance. Review status: criteria provided, multiple submitters, no conflicts (2 of 4 stars). 2 submissions from 2 submitters: Uncertain significance (2). Last evaluated 2021-07-30.

Conditions:
Basal cell carcinoma, susceptibility to, 1. Also called: BCC1. Identifiers: MedGen C2751544, MONDO:0011556, OMIM 605462.
Medulloblastoma (MDB). Also called: MEDULLOBLASTOMA PREDISPOSITION SYNDROME; Medulloblastoma, somatic. Identifiers: Orphanet 616, MedGen C0025149, MeSH D008527, MONDO:0007959, OMIM 155255, HP:0002885.
Gorlin syndrome. Also called: Nevoid Basal Cell Carcinoma Syndrome; Basal cell nevus syndrome. Identifiers: Orphanet 377, MedGen C0004779, MONDO:0007187.

Submissions (2):

Department of Pathology and Laboratory Medicine, Sinai Health System
Classification: Uncertain significance for Medulloblastoma; Basal cell carcinoma, susceptibility to, 1. Last evaluated: 2021-07-30. Review status: criteria provided, single submitter. Criteria: ACMG Guidelines, 2015. Collection method: research. Allele origin: germline.

Labcorp Genetics (formerly Invitae), Labcorp
Classification: Uncertain significance for Gorlin syndrome. Last evaluated: 2020-09-24. Review status: criteria provided, single submitter. Criteria: Invitae Variant Classification Sherloc (09022015). Collection method: clinical testing. Allele origin: germline.
Comment: In summary, the available evidence is currently insufficient to determine the role of this variant in disease. Therefore, it has been classified as a Variant of Uncertain Significance. Algorithms developed to predict the effect of missense changes on protein structure and function (SIFT, PolyPhen-2, Align-GVGD) all suggest that this variant is likely to be tolerated, but these predictions have not been confirmed by published functional studies and their clinical significance is uncertain. This variant has not been reported in the literature in individuals with PTCH2-related conditions. This variant is not present in population databases (ExAC no frequency). This sequence change replaces glutamine with proline at codon 1137 of the PTCH2 protein (p.Gln1137Pro). The glutamine residue is weakly conserved and there is a moderate physicochemical difference between glutamine and proline.